The following is an entry in ClinVar:

ClinVar aggregate classification (germline): Uncertain significance. Review status: reviewed by expert panel (3 of 4 stars). 2 submissions from 2 submitters: Uncertain significance (1). 1 of the submissions does not count toward it. Last evaluated 2025-07-14.

Conditions:
Inborn genetic diseases. Identifiers: MedGen C0950123, MeSH D030342.
Hereditary thrombocytopenia and hematologic cancer predisposition syndrome. Identifiers: Orphanet 71290, MedGen CN281654, MONDO:0011071.

gnomAD v4.1: 3 of 1,572,960 alleles (0.00019%); highest among the groups gnomAD compares: Non-Finnish European, 0.00026%; no homozygotes.

Submissions (2):

ClinGen Myeloid Malignancy Variant Curation Expert Panel
Classification: Uncertain significance for Hereditary thrombocytopenia and hematologic cancer predisposition syndrome. Last evaluated: 2025-07-14. Review status: reviewed by expert panel. Criteria: ClinGen MyeloMalig ACMG Specifications v2. Collection method: curation. Allele origin: germline. Inheritance: Autosomal dominant inheritance.
Comment: NM_001754.5(RUNX1):c.61T>C (p.Cys21Arg) is a missense variant which has a REVEL score < 0.50 (0.31), and a SpliceAI score ≤ 0.20 (0.06) (BP4). This variant is completely absent from all population databases with at least 20x coverage for RUNX1 (PM2_Supporting). In summary, the clinical significance of this variant is uncertain. ACMG/AMP criteria applied, as specified by the Myeloid Malignancy Variant Curation Expert Panel for RUNX1: BP4, PM2_supporting.

Ambry Genetics
Classification: Uncertain significance for Inborn genetic diseases. Last evaluated: 2025-02-18. Review status: criteria provided, single submitter. Criteria: Ambry Variant Classification Scheme 2023. Collection method: clinical testing. Allele origin: germline. Not counted in ClinVar's aggregate classification.
Comment: The p.C21R variant (also known as c.61T>C), located in coding exon 2 of the RUNX1 gene, results from a T to C substitution at nucleotide position 61. The cysteine at codon 21 is replaced by arginine, an amino acid with highly dissimilar properties. This amino acid position is well conserved in available vertebrate species. In addition, the in silico prediction for this alteration is inconclusive. Based on the available evidence, the clinical significance of this variant remains unclear.

NM_001754.5(RUNX1):c.61T>C (p.Cys21Arg)

Gene: RUNX1 (RUNX family transcription factor 1; minus strand). Cytogenetic location: 21q22.12.
Variant type: single nucleotide variant.
Coding change: c.61T>C on transcript NM_001754.5 (MANE Select); coding-DNA position 61, T replaced by C.
Protein change: p.Cys21Arg; replaces cysteine 21 with arginine.
Molecular consequence: missense variant.
Genome position (GRCh38, 1-based): chr21:34,892,961, A>G on the plus strand (T>C on the coding strand, the complement: RUNX1 is on the minus strand). VCF-style: chr21-34892961-A-G. GRCh37 (hg19) VCF-style: chr21-36265258-A-G.
Other names: NM_001754.5(RUNX1):c.61T>C; p.Cys21Arg; short protein forms C21R.
Identifiers: ClinVar variation 3791493 (VCV003791493.1).